The following is an entry in ClinVar:

NM_138694.4(PKHD1):c.6049del (p.Ser2017fs)

Gene: PKHD1 (PKHD1 ciliary IPT domain containing fibrocystin/polyductin; minus strand). Cytogenetic location: 6p12.2.
Variant type: Deletion.
Coding change: c.6049del on transcript NM_138694.4 (MANE Select); coding-DNA position 6049, one base deleted (T; older notation c.6049delT).
Protein change: p.Ser2017fs; shifts the reading frame from serine 2017.
Molecular consequence: frameshift variant.
Genome position (GRCh38, 1-based): chr6:51,934,182, A deleted on the plus strand (T on the coding strand, the reverse complement: PKHD1 is on the minus strand); the first of 2 consecutive A bases (chr6:51,934,182-51,934,183); deleting either gives the same sequence. VCF-style (leftmost placement, unchanged base first): chr6-51934181-GA-G. GRCh37 (hg19) VCF-style: chr6-51798979-GA-G.
Other names: c.6049del, p.Ser2017fs (NM_170724.3); c.6049delT (NM_138694.3); short protein forms S2017fs.
Identifiers: ClinVar variation 3240136 (VCV003240136.2), dbSNP rs2537011164.

ClinVar aggregate classification (germline): Likely pathogenic. Review status: criteria provided, multiple submitters, no conflicts (2 of 4 stars). 2 submissions from 2 submitters: Likely pathogenic (2). Last evaluated 2025-02-24.

Conditions:
Polycystic kidney disease 4 (PKD4). Also called: POLYCYSTIC KIDNEY DISEASE 4 WITH OR WITHOUT POLYCYSTIC LIVER DISEASE; PKD3; POLYCYSTIC KIDNEY AND HEPATIC DISEASE 1; POLYCYSTIC KIDNEY DISEASE, INFANTILE, TYPE I; Autosomal Recessive Polycystic Kidney Disease – PKHD1. Identifiers: MedGen C4540575, MONDO:0033004, OMIM 263200.
Autosomal recessive polycystic kidney disease (ARPKD). Also called: AR polycystic kidney disease. Identifiers: Orphanet 731, Orphanet 8378, MedGen C0085548, MeSH D017044, MONDO:0009889.

Submissions (2):

Natera, Inc.
Classification: Likely pathogenic for Autosomal recessive polycystic kidney disease. Last evaluated: 2025-02-24. Review status: criteria provided, single submitter. Criteria: Natera Variant Classification Schema (03/2026). Collection method: clinical testing. Allele origin: germline.
Comment: The c.6049delT variant in PKHD1 is a frameshift variant predicted to shift the reading frame beginning at codon 2017 and leads to a stop codon 16 codons downstream. This variant is expected to result in nonsense mediated decay, truncation, or a dysfunctional protein product. This variant is rare in the general population with a frequency below the threshold expected for the associated phenotype(s). Given the available evidence, this variant is classified as Likely Pathogenic.

Baylor Genetics
Classification: Likely pathogenic for Polycystic kidney disease 4. Last evaluated: 2024-02-21. Review status: criteria provided, single submitter. Criteria: ACMG Guidelines, 2015. Collection method: clinical testing. Allele origin: unknown.